The following is an entry in ClinVar:

ClinVar aggregate classification (germline): Pathogenic (1 of 4 stars; one submission).

Conditions:
Familial hemophagocytic lymphohistiocytosis 3 (FHL3). Also called: UNC13D-Related Familial Hemophagocytic Lymphohistiocytosis (UNC13D-fHLH). Identifiers: Orphanet 540, MedGen C1837174, MONDO:0012146, OMIM 608898.

Submission:

3billion
Classification: Pathogenic for Familial hemophagocytic lymphohistiocytosis 3. Last evaluated: 2024-06-12. Review status: criteria provided, single submitter. Criteria: ACMG Guidelines, 2015. Collection method: clinical testing. Allele origin: germline. Affected: yes.
Comment: The variant is not observed in the gnomAD v4.0.0 dataset. Predicted Consequence/Location: Frameshift: predicted to result in a loss or disruption of normal protein function through nonsense-mediated decay (NMD) or protein truncation. Multiple pathogenic variants are reported downstream of the variant. Therefore, this variant is classified as Pathogenic according to the recommendation of ACMG/AMP guideline.

NM_199242.3(UNC13D):c.788del (p.Leu263fs)

Gene: UNC13D (unc-13 homolog D; minus strand). Cytogenetic location: 17q25.1.
Variant type: Deletion.
Coding change: c.788del on transcript NM_199242.3 (MANE Select); coding-DNA position 788, one base deleted (T; older notation c.788delT).
Protein change: p.Leu263fs; shifts the reading frame from leucine 263.
Molecular consequence: frameshift variant.
Genome position (GRCh38, 1-based): chr17:75,840,295, A deleted on the plus strand (T on the coding strand, the reverse complement: UNC13D is on the minus strand). VCF-style (leftmost placement, unchanged base first): chr17-75840294-CA-C. GRCh37 (hg19) VCF-style: chr17-73836375-CA-C.
Other names: short protein forms L263fs.
Identifiers: ClinVar variation 4292157 (VCV004292157.2).